The following is an entry in ClinVar:

NM_003573.2(LTBP4):c.318T>C (p.Arg106=)

Gene: LTBP4 (latent transforming growth factor beta binding protein 4; plus strand). Cytogenetic location: 19q13.2.
Variant type: single nucleotide variant.
Coding change: c.318T>C on transcript NM_003573.2; coding-DNA position 318, T replaced by C.
Protein change: p.Arg106=; no amino-acid change (arginine 106 retained).
Molecular consequence: synonymous variant.
Genome position (GRCh38, 1-based): chr19:40,600,155, T>C. VCF-style: chr19-40600155-T-C. GRCh37 (hg19) VCF-style: chr19-41106061-T-C.
Other names: c.429T>C, p.Arg143= (NM_001042544.1).
Identifiers: ClinVar variation 3042801 (VCV003042801.3), dbSNP rs1346555335, ClinGen allele CA507500028.

ClinVar aggregate classification (germline): Likely benign. Review status: criteria provided, single submitter (1 of 4 stars). 2 submissions from 2 submitters: Likely benign (1). 1 of the submissions does not count toward it. Last evaluated 2025-05-04.

Conditions:
LTBP4-related disorder. Also called: LTBP4-related condition.

Allele frequency attached by ClinVar (database versions not stated): gnomAD exomes 0.00001; gnomAD 0.00001; TOPMed 0.00001.

Submissions (2):

Labcorp Genetics (formerly Invitae), Labcorp
Classification: Likely benign. Last evaluated: 2025-05-04. Review status: criteria provided, single submitter. Criteria: Invitae Variant Classification Sherloc (09022015). Collection method: clinical testing. Allele origin: germline.

PreventionGenetics, part of Exact Sciences
Classification: Likely benign for LTBP4-related condition. Last evaluated: 2019-06-27. Review status: no assertion criteria provided. Collection method: clinical testing. Allele origin: germline. Not counted in ClinVar's aggregate classification.
Comment: This variant is classified as likely benign based on ACMG/AMP sequence variant interpretation guidelines (Richards et al. 2015 PMID: 25741868, with internal and published modifications).